The following is an entry in ClinVar:

ClinVar aggregate classification (germline): Uncertain significance (1 of 4 stars; one submission).

Submission:

GeneDx
Classification: Uncertain significance. Last evaluated: 2024-07-19. Review status: criteria provided, single submitter. Criteria: GeneDx Variant Classification Process June 2021. Collection method: clinical testing. Allele origin: germline. Affected: yes.
Comment: Not observed at significant frequency in large population cohorts (gnomAD); In silico analysis supports that this missense variant has a deleterious effect on protein structure/function; Has not been previously published as pathogenic or benign to our knowledge

NM_005465.7(AKT3):c.959A>T (p.Asp320Val)

Gene: AKT3 (AKT serine/threonine kinase 3; minus strand). Cytogenetic location: 1q44.
Variant type: single nucleotide variant.
Coding change: c.959A>T on transcript NM_005465.7 (MANE Select); coding-DNA position 959, A replaced by T.
Protein change: p.Asp320Val; replaces aspartic acid 320 with valine.
Molecular consequence: missense variant.
Genome position (GRCh38, 1-based): chr1:243,552,933, T>A on the plus strand (A>T on the coding strand, the complement: AKT3 is on the minus strand). VCF-style: chr1-243552933-T-A. GRCh37 (hg19) VCF-style: chr1-243716235-T-A.
Other names: c.959A>T, p.Asp320Val (NM_001206729.2, NM_001370074.1, NM_181690.2); short protein forms D320V.
Identifiers: ClinVar variation 3573472 (VCV003573472.1).